The following is an entry in ClinVar:

ClinVar aggregate classification (germline): Pathogenic (1 of 4 stars; one submission).

Conditions:
Megaconial type congenital muscular dystrophy (MDCMC). Also called: MUSCULAR DYSTROPHY, CONGENITAL, WITH MITOCHONDRIAL STRUCTURAL ABNORMALITIES; CHKB-Related Muscular Dystrophy; CHKB-Related Muscle Diseases. Identifiers: Orphanet 280671, MedGen C1865233, MONDO:0011246, OMIM 602541.

Submission:

Labcorp Genetics (formerly Invitae), Labcorp
Classification: Pathogenic for Megaconial type congenital muscular dystrophy. Last evaluated: 2020-10-28. Review status: criteria provided, single submitter. Criteria: Invitae Variant Classification Sherloc (09022015). Collection method: clinical testing. Allele origin: germline.
Comment: This sequence change creates a premature translational stop signal (p.Tyr270Serfs*2) in the CHKB gene. It is expected to result in an absent or disrupted protein product. Loss-of-function variants in CHKB are known to be pathogenic (PMID: 21665002). This variant is not present in population databases (ExAC no frequency). This variant has not been reported in the literature in individuals with CHKB-related conditions. For these reasons, this variant has been classified as Pathogenic.

Literature cited by the submitters: PubMed 21665002.

NM_005198.5(CHKB):c.808_809insC (p.Tyr270fs)

Genes: CHKB (choline kinase beta; minus strand), CHKB-CPT1B (CHKB-CPT1B readthrough (NMD candidate); minus strand). Cytogenetic location: 22q13.33.
Variant type: Insertion.
Coding change: c.808_809insC on transcript NM_005198.5 (MANE Select); coding-DNA positions 808 to 809, C inserted.
Protein change: p.Tyr270fs; shifts the reading frame from tyrosine 270.
Molecular consequence: frameshift variant. On other transcripts: non-coding transcript variant (1).
Genome position: GRCh38 VCF-style: chr22-50580199-T-TG. GRCh37 (hg19) VCF-style: chr22-51018628-T-TG.
Other names: short protein forms Y270fs.
Identifiers: ClinVar variation 1456700 (VCV001456700.1), dbSNP rs2146653193, ClinGen allele CA2573158289.